The following is an entry in ClinVar:

NM_000552.5(VWF):c.7724G>A (p.Arg2575His)

Gene: VWF (von Willebrand factor; minus strand). Cytogenetic location: 12p13.31.
Variant type: single nucleotide variant.
Coding change: c.7724G>A on transcript NM_000552.5 (MANE Select); coding-DNA position 7724, G replaced by A.
Protein change: p.Arg2575His; replaces arginine 2575 with histidine.
Molecular consequence: missense variant.
Genome position (GRCh38, 1-based): chr12:5,969,216, C>T on the plus strand (G>A on the coding strand, the complement: VWF is on the minus strand). VCF-style: chr12-5969216-C-T. GRCh37 (hg19) VCF-style: chr12-6078382-C-T.
Other names: short protein forms R2575H.
Identifiers: ClinVar variation 1330045 (VCV001330045.4), dbSNP rs373321657, ClinGen allele CA6401581.

ClinVar aggregate classification (germline): Uncertain significance. Review status: criteria provided, multiple submitters, no conflicts (2 of 4 stars). 2 submissions from 2 submitters: Uncertain significance (2). Last evaluated 2026-01-19.

Allele frequency attached by ClinVar (database versions not stated): gnomAD exomes 0.00003 and 0.00006; TOPMed 0.00004; gnomAD 0.00005 and 0.00008; ExAC 0.00008; ESP Exome Variant Server 0.00008.
gnomAD v4.1: 48 of 1,612,504 alleles (0.003%); highest among the groups gnomAD compares: Admixed American, 0.028%; no homozygotes.

Submissions (2):

Women's Health and Genetics/Laboratory Corporation of America, LabCorp
Classification: Uncertain significance. Last evaluated: 2026-01-19. Review status: criteria provided, single submitter. Criteria: LabCorp Variant Classification Summary - May 2015. Collection method: clinical testing. Allele origin: germline.
Comment: Variant summary: VWF c.7724G>A (p.Arg2575His) results in a non-conservative amino acid change in the encoded protein sequence. Algorithms developed to predict the effect of missense changes on protein structure and function are either unavailable or do not agree on the potential impact of this missense change. The variant allele was found at a frequency of 5.7e-05 in 247074 control chromosomes. This frequency is not significantly higher than estimated for disease-causing variants in VWF, allowing no conclusion about variant significance. c.7724G>A has been observed in at least one individual affected with Von Willebrand Disease (example: Veyradier_2016). This report does not provide unequivocal conclusions about association of the variant with Von Willebrand Disease. To our knowledge, no experimental evidence demonstrating an impact on protein function has been reported. The following publication has been ascertained in the context of this evaluation (PMID: 26986123). ClinVar contains an entry for this variant (Variation ID: 1330045). Based on the evidence outlined above, the variant was classified as uncertain significance.

Quest Diagnostics Nichols Institute San Juan Capistrano
Classification: Uncertain significance. Last evaluated: 2020-12-30. Review status: criteria provided, single submitter. Criteria: Quest Diagnostics criteria. Collection method: clinical testing. Allele origin: unknown.

Literature cited by the submitters: PubMed 26986123 (cited by Women's Health and Genetics/Laboratory Corporation of America, LabCorp and Quest Diagnostics Nichols Institute San Juan Capistrano).